The following is an entry in ClinVar:

NM_000208.4(INSR):c.783C>T (p.Asp261=)

Gene: INSR (insulin receptor; minus strand). Cytogenetic location: 19p13.2.
Variant type: single nucleotide variant.
Coding change: c.783C>T on transcript NM_000208.4 (MANE Select); coding-DNA position 783, C replaced by T.
Protein change: p.Asp261=; no amino-acid change (aspartic acid 261 retained).
Molecular consequence: synonymous variant.
Genome position (GRCh38, 1-based): chr19:7,184,507, G>A on the plus strand (C>T on the coding strand, the complement: INSR is on the minus strand). VCF-style: chr19-7184507-G-A. GRCh37 (hg19) VCF-style: chr19-7184518-G-A.
Other names: c.783C>T, p.Asp261= (NM_001079817.3).
Identifiers: ClinVar variation 330475 (VCV000330475.27), dbSNP rs891087, ClinGen allele CA9136013.

ClinVar aggregate classification (germline): Benign/Likely benign. Review status: criteria provided, multiple submitters, no conflicts (2 of 4 stars). 9 submissions from 7 submitters: Benign (8); Likely benign (1). Last evaluated 2026-01-28.

Conditions:
Rabson-Mendenhall syndrome. Also called: Pineal Hyperplasia, Insulin-Resistant Diabetes Mellitus, and Somatic Abnormalities; MENDENHALL SYNDROME; Pineal hyperplasia AND diabetes mellitus syndrome. Identifiers: Orphanet 769, MedGen C0271695, MONDO:0009874, OMIM 262190.
Insulin-resistant diabetes mellitus AND acanthosis nigricans. Also called: type A insulin resistance; DIABETES MELLITUS, INSULIN-RESISTANT, WITH ACANTHOSIS NIGRICANS, TYPE A; INSULIN RECEPTOR, DEFECT IN, WITH INSULIN-RESISTANT DIABETES MELLITUS AND ACANTHOSIS NIGRICANS; IRAN, TYPE A; Insulin-resistance syndrome type A. Identifiers: Orphanet 2297, MedGen C0342278, MONDO:0012520, OMIM 610549.
Hyperinsulinism due to INSR deficiency. Also called: Hyperinsulinism due to glutamodehydrogenase deficiency. Identifiers: Orphanet 263458, MedGen C1864952, MONDO:0012381, OMIM 609968.
Leprechaunism syndrome. Also called: LEPRECHAUNISM; Donohue syndrome. Identifiers: Orphanet 508, MedGen C0265344, MONDO:0009517, OMIM 246200.

Allele frequency attached by ClinVar (database versions not stated): gnomAD 0.11823 and 0.11869; TOPMed 0.12064; ESP Exome Variant Server 0.12548; 1000 Genomes Project 0.13858; 1000 Genomes Project 30x 0.14054.
gnomAD v4.1: 156,820 of 1,613,664 alleles (9.7%); highest among the groups gnomAD compares: African/African-American, 20%; 8,822 homozygotes.

Submissions (9):

Labcorp Genetics (formerly Invitae), Labcorp
Classification: Benign. Last evaluated: 2026-01-28. Review status: criteria provided, single submitter. Criteria: Invitae Variant Classification Sherloc (09022015). Collection method: clinical testing. Allele origin: germline.

Blueprint Genetics
Classification: Benign. Last evaluated: 2024-11-28. Review status: criteria provided, single submitter. Criteria: ACMG Guidelines, 2015. Collection method: clinical testing. Allele origin: germline.

Fulgent Genetics
Classification: Likely benign for Leprechaunism syndrome; Rabson-Mendenhall syndrome; Hyperinsulinism due to INSR deficiency; Insulin-resistant diabetes mellitus AND acanthosis nigricans. Last evaluated: 2021-09-27. Review status: criteria provided, single submitter. Criteria: ACMG Guidelines, 2015. Collection method: clinical testing. Allele origin: unknown.

ARUP Laboratories, Molecular Genetics and Genomics, ARUP Laboratories
Classification: Benign. Last evaluated: 2021-01-14. Review status: criteria provided, single submitter. Criteria: ARUP Molecular Germline Variant Investigation Process 2021. Collection method: clinical testing. Allele origin: germline.

Eurofins Ntd Llc (ga)
Classification: Benign. Last evaluated: 2018-01-26. Review status: criteria provided, single submitter. Criteria: EGL Classification Definitions 2015. Collection method: clinical testing. Allele origin: germline. Observed: 1 variant allele, 1 heterozygote.

Illumina Laboratory Services, Illumina
Classification: Benign for Leprechaunism syndrome. Last evaluated: 2018-01-13. Review status: criteria provided, single submitter. Criteria: ICSL Variant Classification Criteria 13 December 2019. Collection method: clinical testing. Allele origin: germline.
Comment: This variant was observed in the ICSL laboratory as part of a predisposition screen in an ostensibly healthy population. It had not been previously curated by ICSL or reported in the Human Gene Mutation Database (HGMD: prior to June 1st, 2018), and was therefore a candidate for classification through an automated scoring system. Utilizing variant allele frequency, disease prevalence and penetrance estimates, and inheritance mode, an automated score was calculated to assess if this variant is too frequent to cause the disease. Based on the score and internal cut-off values, a variant classified as benign is not then subjected to further curation. The score for this variant resulted in a classification of benign for this disease.

Illumina Laboratory Services, Illumina
Classification: Benign for Insulin-resistant diabetes mellitus AND acanthosis nigricans. Last evaluated: 2018-01-13. Review status: criteria provided, single submitter. Criteria: ICSL Variant Classification Criteria 13 December 2019. Collection method: clinical testing. Allele origin: germline.
Comment: the same text as in the submission from Illumina Laboratory Services, Illumina above.

Illumina Laboratory Services, Illumina
Classification: Benign for Rabson-Mendenhall syndrome. Last evaluated: 2018-01-13. Review status: criteria provided, single submitter. Criteria: ICSL Variant Classification Criteria 13 December 2019. Collection method: clinical testing. Allele origin: germline.
Comment: the same text as in the submission from Illumina Laboratory Services, Illumina above.

Breakthrough Genomics
Classification: Benign. Review status: criteria provided, single submitter. Criteria: ACMG Guidelines, 2015. Collection method: not provided. Allele origin: germline. Inheritance: Autosomal recessive inheritance. Affected: yes.